The following is an entry in ClinVar:

NM_001384732.1(CPLANE1):c.3520G>T (p.Asp1174Tyr)

Gene: CPLANE1 (ciliogenesis and planar polarity effector complex subunit 1; minus strand). Cytogenetic location: 5p13.2.
Variant type: single nucleotide variant.
Coding change: c.3520G>T on transcript NM_001384732.1 (MANE Select); coding-DNA position 3520, G replaced by T.
Protein change: p.Asp1174Tyr; replaces aspartic acid 1174 with tyrosine.
Molecular consequence: missense variant.
Genome position (GRCh38, 1-based): chr5:37,198,854, C>A on the plus strand (G>T on the coding strand, the complement: CPLANE1 is on the minus strand). VCF-style: chr5-37198854-C-A. GRCh37 (hg19) VCF-style: chr5-37198956-C-A.
Other names: c.3520G>T, p.Asp1174Tyr (NM_023073.4); c.3520G>T (NM_023073.3); short protein forms D1174Y.
Identifiers: ClinVar variation 1523994 (VCV001523994.5), dbSNP rs760601336, ClinGen allele CA3238922.

ClinVar aggregate classification (germline): Uncertain significance. Review status: criteria provided, multiple submitters, no conflicts (2 of 4 stars). 2 submissions from 2 submitters: Uncertain significance (2). Last evaluated 2024-01-02.

Conditions:
Joubert syndrome 17 (JBTS17). Identifiers: Orphanet 475, MedGen C3553264, MONDO:0013824, OMIM 614615.
Orofaciodigital syndrome type 6 (OFD6). Also called: Oral-facial-digital syndrome type 6; Central polydactyly cleft lip/palate or lingual lump and psychomotor retardation; Y-shaped central metacarpal and cerebellar defect; Joubert syndrome with orofacialdigital anomalies; POLYDACTYLY, CLEFT LIP/PALATE OR LINGUAL LUMP, AND PSYCHOMOTOR RETARDATION; OROFACIODIGITAL SYNDROME VI. Identifiers: Orphanet 2754, MedGen C2745997, MONDO:0010176, OMIM 277170.

Allele frequency attached by ClinVar (database versions not stated): gnomAD 0.00002; TOPMed 0.00004; ExAC 0.00009; gnomAD exomes 0.00009.
gnomAD v4.1: 32 of 1,613,514 alleles (0.002%); highest among the groups gnomAD compares: East Asian, 0.069%; no homozygotes.

Submissions (2):

Fulgent Genetics
Classification: Uncertain significance for Orofaciodigital syndrome type 6; Joubert syndrome 17. Last evaluated: 2024-01-02. Review status: criteria provided, single submitter. Criteria: ACMG Guidelines, 2015. Collection method: clinical testing. Allele origin: germline.

Labcorp Genetics (formerly Invitae), Labcorp
Classification: Uncertain significance. Last evaluated: 2022-06-13. Review status: criteria provided, single submitter. Criteria: Invitae Variant Classification Sherloc (09022015). Collection method: clinical testing. Allele origin: germline.
Comment: In summary, the available evidence is currently insufficient to determine the role of this variant in disease. Therefore, it has been classified as a Variant of Uncertain Significance. Algorithms developed to predict the effect of sequence changes on RNA splicing suggest that this variant may disrupt the consensus splice site. Advanced modeling of protein sequence and biophysical properties (such as structural, functional, and spatial information, amino acid conservation, physicochemical variation, residue mobility, and thermodynamic stability) performed at Invitae indicates that this missense variant is expected to disrupt CPLANE1 protein function. This variant has not been reported in the literature in individuals affected with CPLANE1-related conditions. This variant is present in population databases (rs760601336, gnomAD 0.1%). This sequence change replaces aspartic acid, which is acidic and polar, with tyrosine, which is neutral and polar, at codon 1174 of the CPLANE1 protein (p.Asp1174Tyr).